The following is an entry in ClinVar:

NM_000143.4(FH):c.607G>T (p.Val203Phe)

Gene: FH (fumarate hydratase; minus strand). Cytogenetic location: 1q43.
Variant type: single nucleotide variant.
Coding change: c.607G>T on transcript NM_000143.4 (MANE Select); coding-DNA position 607, G replaced by T.
Protein change: p.Val203Phe; replaces valine 203 with phenylalanine.
Molecular consequence: missense variant.
Genome position (GRCh38, 1-based): chr1:241,508,734, C>A on the plus strand (G>T on the coding strand, the complement: FH is on the minus strand). VCF-style: chr1-241508734-C-A. GRCh37 (hg19) VCF-style: chr1-241672034-C-A.
Other names: short protein forms V203F.
Identifiers: ClinVar variation 2862604 (VCV002862604.3), dbSNP rs2527327458, ClinGen allele CA345439402.

ClinVar aggregate classification (germline): Uncertain significance (1 of 4 stars; one submission).

Submission:

Labcorp Genetics (formerly Invitae), Labcorp
Classification: Uncertain significance. Last evaluated: 2023-10-11. Review status: criteria provided, single submitter. Criteria: Invitae Variant Classification Sherloc (09022015). Collection method: clinical testing. Allele origin: germline.
Comment: This sequence change replaces valine, which is neutral and non-polar, with phenylalanine, which is neutral and non-polar, at codon 203 of the FH protein (p.Val203Phe). This variant is not present in population databases (gnomAD no frequency). This variant has not been reported in the literature in individuals affected with FH-related conditions. Advanced modeling of protein sequence and biophysical properties (such as structural, functional, and spatial information, amino acid conservation, physicochemical variation, residue mobility, and thermodynamic stability) performed at Invitae indicates that this missense variant is not expected to disrupt FH protein function. In summary, the available evidence is currently insufficient to determine the role of this variant in disease. Therefore, it has been classified as a Variant of Uncertain Significance.